The following is an entry in ClinVar:

NM_002880.4(RAF1):c.791A>G (p.His264Arg)

Gene: RAF1 (Raf-1 proto-oncogene, serine/threonine kinase; minus strand). Cytogenetic location: 3p25.2.
Variant type: single nucleotide variant.
Coding change: c.791A>G on transcript NM_002880.4 (MANE Select); coding-DNA position 791, A replaced by G.
Protein change: p.His264Arg; replaces histidine 264 with arginine.
Molecular consequence: missense variant. On other transcripts: non-coding transcript variant (3).
Genome position (GRCh38, 1-based): chr3:12,604,179, T>C on the plus strand (A>G on the coding strand, the complement: RAF1 is on the minus strand). VCF-style: chr3-12604179-T-C. GRCh37 (hg19) VCF-style: chr3-12645678-T-C.
Other names: c.791A>G, p.His264Arg (NM_001354689.3, NM_001354690.3); c.548A>G, p.His183Arg (NM_001354691.3, NM_001354692.3, NM_001354694.3); c.692A>G, p.His231Arg (NM_001354693.3); c.449A>G, p.His150Arg (NM_001354695.3); short protein forms H150R, H183R, H231R, H264R.
Identifiers: ClinVar variation 1027014 (VCV001027014.8), dbSNP rs1057517887, ClinGen allele CA351512290.

ClinVar aggregate classification (germline): Uncertain significance (1 of 4 stars; one submission).

Conditions:
RASopathy. Also called: Noonan spectrum disorder; rasopathies. Identifiers: Orphanet 536391, MedGen C5555857, MONDO:0021060.

Submission:

Labcorp Genetics (formerly Invitae), Labcorp
Classification: Uncertain significance for RASopathy. Last evaluated: 2020-08-14. Review status: criteria provided, single submitter. Criteria: Invitae Variant Classification Sherloc (09022015). Collection method: clinical testing. Allele origin: germline.
Comment: In summary, the available evidence is currently insufficient to determine the role of this variant in disease. Therefore, it has been classified as a Variant of Uncertain Significance. Advanced modeling of protein sequence and biophysical properties (such as structural, functional, and spatial information, amino acid conservation, physicochemical variation, residue mobility, and thermodynamic stability) performed at Invitae indicates that this missense variant is expected to disrupt RAF1 protein function. This variant has not been reported in the literature in individuals with RAF1-related conditions. This variant is not present in population databases (ExAC no frequency). This sequence change replaces histidine with arginine at codon 264 of the RAF1 protein (p.His264Arg). The histidine residue is highly conserved and there is a small physicochemical difference between histidine and arginine.